The following is an entry in ClinVar:

NM_018706.7(DHTKD1):c.890C>T (p.Ala297Val)

Gene: DHTKD1 (dehydrogenase E1 and transketolase domain containing 1; plus strand). Cytogenetic location: 10p14.
Variant type: single nucleotide variant.
Coding change: c.890C>T on transcript NM_018706.7 (MANE Select); coding-DNA position 890, C replaced by T.
Protein change: p.Ala297Val; replaces alanine 297 with valine.
Molecular consequence: missense variant.
Genome position (GRCh38, 1-based): chr10:12,089,158, C>T. VCF-style: chr10-12089158-C-T. GRCh37 (hg19) VCF-style: chr10-12131157-C-T.
Other names: c.890C>T (NM_018706.5); short protein forms A297V.
Identifiers: ClinVar variation 1360049 (VCV001360049.7), dbSNP rs1832949989, ClinGen allele CA376018723.

ClinVar aggregate classification (germline): Uncertain significance. Review status: criteria provided, multiple submitters, no conflicts (2 of 4 stars). 2 submissions from 2 submitters: Uncertain significance (2). Last evaluated 2024-02-20.

Conditions:
Inborn genetic diseases. Identifiers: MedGen C0950123, MeSH D030342.
2-aminoadipic 2-oxoadipic aciduria (AAKAD). Also called: Aminoadipic aciduria; ALPHA-AMINOADIPIC AND ALPHA-KETOADIPIC ACIDURIA. Identifiers: Orphanet 79154, MedGen C1859817, MONDO:0008774, OMIM 204750.

Allele frequency attached by ClinVar (database versions not stated): gnomAD exomes below 0.00001; TOPMed 0.00001.
gnomAD v4.1: 3 of 1,614,172 alleles (0.00019%); highest among the groups gnomAD compares: Non-Finnish European, 0.00025%; no homozygotes.

Submissions (2):

Labcorp Genetics (formerly Invitae), Labcorp
Classification: Uncertain significance for 2-aminoadipic 2-oxoadipic aciduria. Last evaluated: 2024-02-20. Review status: criteria provided, single submitter. Criteria: Invitae Variant Classification Sherloc (09022015). Collection method: clinical testing. Allele origin: germline.
Comment: This sequence change replaces alanine, which is neutral and non-polar, with valine, which is neutral and non-polar, at codon 297 of the DHTKD1 protein (p.Ala297Val). This variant is not present in population databases (gnomAD no frequency). This variant has not been reported in the literature in individuals affected with DHTKD1-related conditions. ClinVar contains an entry for this variant (Variation ID: 1360049). Advanced modeling of protein sequence and biophysical properties (such as structural, functional, and spatial information, amino acid conservation, physicochemical variation, residue mobility, and thermodynamic stability) performed at Invitae indicates that this missense variant is not expected to disrupt DHTKD1 protein function with a negative predictive value of 80%. In summary, the available evidence is currently insufficient to determine the role of this variant in disease. Therefore, it has been classified as a Variant of Uncertain Significance.

Ambry Genetics
Classification: Uncertain significance for Inborn genetic diseases. Last evaluated: 2023-12-12. Review status: criteria provided, single submitter. Criteria: Ambry Variant Classification Scheme 2023. Collection method: clinical testing. Allele origin: germline.